The following is an entry in ClinVar:

NM_001378615.1(CC2D2A):c.964del (p.Val322fs)

Genes: CC2D2A (coiled-coil and C2 domain containing 2A; plus strand), FBXL5 (F-box and leucine rich repeat protein 5; minus strand). Cytogenetic location: 4p15.32.
Variant type: Deletion.
Coding change: c.964del on transcript NM_001378615.1 (MANE Select); coding-DNA position 964, one base deleted (G; older notation c.964delG).
Protein change: p.Val322fs; shifts the reading frame from valine 322.
Molecular consequence: frameshift variant.
Genome position (GRCh38, 1-based): chr4:15,515,951, G deleted; the last of 2 consecutive G bases (chr4:15,515,950-15,515,951); deleting either gives the same sequence. VCF-style (leftmost placement, unchanged base first): chr4-15515949-AG-A. GRCh37 (hg19) VCF-style: chr4-15517572-AG-A.
Other names: c.964delG (NM_001080522.2); c.964del, p.Val322fs (NM_001080522.2); c.817del, p.Val273fs (NM_001378617.1); short protein forms V322fs, V273fs.
Identifiers: ClinVar variation 639409 (VCV000639409.7), dbSNP rs1577340510, ClinGen allele CA915944105.
Genomic context (GRCh38, chr4:15,515,949, plus strand): 5'-CTGAGAATGTACAGCCCAGGTTCCTGGAAGATGAAGGCCTTTACACCGGGGTAAGACCAG[AG>A]GTGGCACGCACCAATCAGAACATCATGGAGAACAGATTGCTGATGCAGGACCCCGTAAGT-3'

ClinVar aggregate classification (germline): Pathogenic (1 of 4 stars; one submission).

Conditions:
Joubert syndrome. Also called: JOUBERT-BOLTSHAUSER SYNDROME; Familial aplasia of the vermis. Identifiers: Orphanet 475, MedGen C5979921, MONDO:0018772.
Meckel-Gruber syndrome. Also called: Dysencephalia splachnocystica; DYSENCEPHALIA SPLANCHNOCYSTICA; GRUBER SYNDROME. Identifiers: Orphanet 564, MedGen C0265215, MONDO:0018921.

Submission:

Labcorp Genetics (formerly Invitae), Labcorp
Classification: Pathogenic for Joubert syndrome; Meckel-Gruber syndrome. Last evaluated: 2018-10-15. Review status: criteria provided, single submitter. Criteria: Invitae Variant Classification Sherloc (09022015). Collection method: clinical testing. Allele origin: germline.
Comment: Loss-of-function variants in CC2D2A are known to be pathogenic (PMID: 19777577). This variant has not been reported in the literature in individuals with CC2D2A-related disease. This variant is not present in population databases (ExAC no frequency). This sequence change creates a premature translational stop signal (p.Val322Trpfs*14) in the CC2D2A gene. It is expected to result in an absent or disrupted protein product. For these reasons, this variant has been classified as Pathogenic.

Literature cited by the submitters: PubMed 19777577.